The following is an entry in ClinVar:

ClinVar aggregate classification (germline): Uncertain significance. Review status: criteria provided, multiple submitters, no conflicts (2 of 4 stars). 2 submissions from 2 submitters: Uncertain significance (2). Last evaluated 2025-07-10.

Conditions:
Hereditary cancer-predisposing syndrome. Also called: Hereditary neoplastic syndrome; Neoplastic Syndromes, Hereditary; Tumor predisposition; Hereditary Cancer Syndrome. Identifiers: Orphanet 140162, MedGen C0027672, MeSH D009386, MONDO:0015356.
Familial adenomatous polyposis 1 (FAP1). Also called: FAMILIAL ADENOMATOUS POLYPOSIS 1, ATTENUATED; POLYPOSIS, ADENOMATOUS INTESTINAL. Identifiers: MedGen C2713442, MONDO:0021056, OMIM 175100. Disease mechanism: loss of function.

Submissions (2):

Ambry Genetics
Classification: Uncertain significance for Hereditary cancer-predisposing syndrome. Last evaluated: 2025-07-10. Review status: criteria provided, single submitter. Criteria: Ambry Variant Classification Scheme 2023. Collection method: clinical testing. Allele origin: germline.
Comment: The p.A1582T variant (also known as c.4744G>A), located in coding exon 15 of the APC gene, results from a G to A substitution at nucleotide position 4744. The alanine at codon 1582 is replaced by threonine, an amino acid with similar properties. This amino acid position is highly conserved in available vertebrate species. Based on the available evidence, the clinical significance of this variant remains unclear.

Labcorp Genetics (formerly Invitae), Labcorp
Classification: Uncertain significance for Familial adenomatous polyposis 1. Last evaluated: 2020-01-11. Review status: criteria provided, single submitter. Criteria: Invitae Variant Classification Sherloc (09022015). Collection method: clinical testing. Allele origin: germline.
Comment: This sequence change replaces alanine with threonine at codon 1582 of the APC protein (p.Ala1582Thr). The alanine residue is highly conserved and there is a small physicochemical difference between alanine and threonine. This variant is not present in population databases (ExAC no frequency). This variant has not been reported in the literature in individuals with APC-related conditions. Algorithms developed to predict the effect of missense changes on protein structure and function (SIFT, PolyPhen-2, Align-GVGD) all suggest that this variant is likely to be disruptive, but these predictions have not been confirmed by published functional studies and their clinical significance is uncertain. In summary, the available evidence is currently insufficient to determine the role of this variant in disease. Therefore, it has been classified as a Variant of Uncertain Significance.

NM_000038.6(APC):c.4744G>A (p.Ala1582Thr)

Gene: APC (APC regulator of Wnt signaling pathway; plus strand). Cytogenetic location: 5q22.2.
Variant type: single nucleotide variant.
Coding change: c.4744G>A on transcript NM_000038.6 (MANE Select); coding-DNA position 4744, G replaced by A.
Protein change: p.Ala1582Thr; replaces alanine 1582 with threonine.
Molecular consequence: missense variant.
Genome position (GRCh38, 1-based): chr5:112,840,338, G>A. VCF-style: chr5-112840338-G-A. GRCh37 (hg19) VCF-style: chr5-112176035-G-A.
Other names: c.4744G>A, p.Ala1582Thr (NM_001127510.3, NM_001354895.2); c.4690G>A, p.Ala1564Thr (NM_001127511.3); c.4798G>A, p.Ala1600Thr (NM_001354896.2); c.4774G>A, p.Ala1592Thr (NM_001354897.2); c.4669G>A, p.Ala1557Thr (NM_001354898.2); c.4660G>A, p.Ala1554Thr (NM_001354899.2); c.4621G>A, p.Ala1541Thr (NM_001354900.2); c.4567G>A, p.Ala1523Thr (NM_001354901.2); and 6 more; short protein forms A1299T, A1422T, A1456T, A1481T, A1491T, A1523T, A1541T, A1554T.
Identifiers: ClinVar variation 1002807 (VCV001002807.49), dbSNP rs1765757243, ClinGen allele CA16031734.
Genomic context (GRCh38, chr5:112,840,338, plus strand): 5'-GACCTATTAGATGATTCAGATGATGATGATATTGAAATACTAGAAGAATGTATTATTTCT[G>A]CCATGCCAACAAAGTCATCACGTAAAGCAAAAAAGCCAGCCCAGACTGCTTCAAAATTAC-3'
Protein context (NP_000029.2, residues 1572-1592): IEILEECIIS[Ala1582Thr]MPTKSSRKAK